The following is an entry in ClinVar:

ClinVar aggregate classification (germline): Uncertain significance (1 of 4 stars; one submission).

Conditions:
CHARGE syndrome (CHARGE). Also called: Hittner Hirsch Kreh syndrome; CHARGE ASSOCIATION--COLOBOMA, HEART ANOMALY, CHOANAL ATRESIA, RETARDATION, GENITAL AND EAR ANOMALIES; Coloboma, heart anomaly, choanal atresia, retardation, genital and ear anomalies; CHARGE association; Hall-Hittner syndrome. Identifiers: Orphanet 138, MedGen C0265354, MONDO:0008965.

Submission:

Labcorp Genetics (formerly Invitae), Labcorp
Classification: Uncertain significance for CHARGE syndrome. Last evaluated: 2023-08-11. Review status: criteria provided, single submitter. Criteria: Invitae Variant Classification Sherloc (09022015). Collection method: clinical testing. Allele origin: germline.
Comment: This sequence change replaces phenylalanine, which is neutral and non-polar, with cysteine, which is neutral and slightly polar, at codon 2465 of the CHD7 protein (p.Phe2465Cys). This variant is not present in population databases (gnomAD no frequency). This variant has not been reported in the literature in individuals affected with CHD7-related conditions. Advanced modeling of protein sequence and biophysical properties (such as structural, functional, and spatial information, amino acid conservation, physicochemical variation, residue mobility, and thermodynamic stability) performed at Invitae indicates that this missense variant is not expected to disrupt CHD7 protein function. In summary, the available evidence is currently insufficient to determine the role of this variant in disease. Therefore, it has been classified as a Variant of Uncertain Significance.

NM_017780.4(CHD7):c.7394T>G (p.Phe2465Cys)

Gene: CHD7 (chromodomain helicase DNA binding protein 7; plus strand). Cytogenetic location: 8q12.2.
Variant type: single nucleotide variant.
Coding change: c.7394T>G on transcript NM_017780.4 (MANE Select); coding-DNA position 7394, T replaced by G.
Protein change: p.Phe2465Cys; replaces phenylalanine 2465 with cysteine.
Molecular consequence: missense variant. On other transcripts: intron variant (1).
Genome position (GRCh38, 1-based): chr8:60,856,674, T>G. VCF-style: chr8-60856674-T-G. GRCh37 (hg19) VCF-style: chr8-61769233-T-G.
Other names: c.1717-5555T>G (NM_001316690.1); short protein forms F2465C.
Identifiers: ClinVar variation 2882383 (VCV002882383.3), dbSNP rs1805731231, ClinGen allele CA371301406.